The following is an entry in ClinVar:

NM_198173.3(GRHL3):c.550C>G (p.His184Asp)

Gene: GRHL3 (grainyhead like transcription factor 3; plus strand). Cytogenetic location: 1p36.11.
Variant type: single nucleotide variant.
Coding change: c.550C>G on transcript NM_198173.3 (MANE Select); coding-DNA position 550, C replaced by G.
Protein change: p.His184Asp; replaces histidine 184 with aspartic acid.
Molecular consequence: missense variant.
Genome position (GRCh38, 1-based): chr1:24,336,765, C>G. VCF-style: chr1-24336765-C-G. GRCh37 (hg19) VCF-style: chr1-24663255-C-G.
Other names: c.412C>G, p.His138Asp (NM_001195010.2); c.565C>G, p.His189Asp (NM_021180.4); c.550C>G, p.His184Asp (NM_198174.3); short protein forms H138D, H184D, H189D.
Identifiers: ClinVar variation 1062655 (VCV001062655.9), dbSNP rs1166068949, ClinGen allele CA339044200.

ClinVar aggregate classification (germline): Uncertain significance (1 of 4 stars; one submission).

Conditions:
Van der Woude syndrome 2 (VWS2). Identifiers: Orphanet 888, MedGen C1847604, MONDO:0011712, OMIM 606713.

Allele frequency attached by ClinVar (database versions not stated): TOPMed 0.00001.

Submission:

Labcorp Genetics (formerly Invitae), Labcorp
Classification: Uncertain significance for Van der Woude syndrome 2. Last evaluated: 2020-10-28. Review status: criteria provided, single submitter. Criteria: Invitae Variant Classification Sherloc (09022015). Collection method: clinical testing. Allele origin: germline.
Comment: This sequence change replaces histidine with aspartic acid at codon 184 of the GRHL3 protein (p.His184Asp). The histidine residue is moderately conserved and there is a moderate physicochemical difference between histidine and aspartic acid. This variant is not present in population databases (ExAC no frequency). This variant has not been reported in the literature in individuals with GRHL3-related conditions. Algorithms developed to predict the effect of missense changes on protein structure and function are either unavailable or do not agree on the potential impact of this missense change (SIFT: "Tolerated"; PolyPhen-2: "Possibly Damaging"; Align-GVGD: "Class C0"). In summary, the available evidence is currently insufficient to determine the role of this variant in disease. Therefore, it has been classified as a Variant of Uncertain Significance.